The following is an entry in ClinVar:

ClinVar aggregate classification (germline): Likely benign (1 of 4 stars; one submission).

Submissions (2):

Mayo Clinic Laboratories, Mayo Clinic
Classification: Likely benign. Last evaluated: 2025-05-09. Review status: criteria provided, single submitter. Criteria: ACMG Guidelines, 2015. Collection method: clinical testing. Allele origin: germline. Observed: 1 variant allele.
Comment: BP4, BP7

Dr. Peter K. Rogan Lab, Western University
No classification provided (evidence only). Condition: Cholangiocarcinoma. Review status: no classification provided. Collection method: in vitro. Allele origin: not applicable. Functional consequence: skipped exon. Not counted in ClinVar's aggregate classification.

NM_153676.4(USH1C):c.2134-11del

Gene: USH1C (USH1 protein network component harmonin; minus strand). Cytogenetic location: 11p15.1.
Variant type: Deletion.
Coding change: c.2134-11del on transcript NM_153676.4 (MANE Select); 11 bases into the intron before coding-DNA position 2134, one base deleted (T; older notation c.2134-11delT).
Molecular consequence: intron variant.
Genome position (GRCh38, 1-based): chr11:17,504,708, A deleted on the plus strand (T on the coding strand, the reverse complement: USH1C is on the minus strand); the first of 12 consecutive A bases (chr11:17,504,708-17,504,719); deleting any one gives the same sequence. VCF-style (leftmost placement, unchanged base first): chr11-17504707-GA-G. GRCh37 (hg19) VCF-style: chr11-17526254-GA-G.
Other names: NC_000011.9:g.17526266del; p.?; c.1228-2728del (NM_001297764.2); c.1211-6437del (NM_001440687.1); c.1414-2728del (NM_001440681.1); c.1285-2728del (NM_001440685.1, NM_005709.4, NM_001440682.1); c.1285-11del (NM_001440683.1); c.1438-2728del (NM_001440680.1); and 4 more.
Identifiers: ClinVar variation 4283563 (VCV004283563.2).
Genomic context (GRCh38, chr11:17,504,707, plus strand): 5'-TTGTCTGAATGCTGTCTGATAAACCACCATCCTCTTCAACATCTCCTGTGGCTGCCAGAG[GA>G]AAAAAAAAAAAGTTCCACATTGGATGTTACCAATAGGTCTTGGCTGCCCCCTGGTGCCAG-3'